The following is an entry in ClinVar:

ClinVar aggregate classification (germline): Uncertain significance (1 of 4 stars; one submission).

Submission:

Ambry Genetics
Classification: Uncertain significance. Last evaluated: 2026-03-17. Review status: criteria provided, single submitter. Criteria: Ambry Variant Classification Scheme 2023. Collection method: clinical testing. Allele origin: germline.
Comment: The c.1822T>G (p.W608G) alteration is located in exon 8 (coding exon 8) of the GOLGA6L6 gene. This alteration results from a T to G substitution at nucleotide position 1822, causing the tryptophan (W) at amino acid position 608 to be replaced by a glycine (G). Based on data from gnomAD, the G allele has an overall frequency of <0.001% (0/85146) total alleles studied. The highest observed frequency was <0.001% (/) of alleles. Based on insufficient or conflicting evidence, the clinical significance of this alteration remains unclear.

NM_001145004.2(GOLGA6L6):c.1744T>G (p.Trp582Gly)

Gene: GOLGA6L6 (golgin A6 family like 6 (gene/pseudogene); minus strand). Cytogenetic location: 15q11.2.
Variant type: single nucleotide variant.
Coding change: c.1744T>G on transcript NM_001145004.2 (MANE Select); coding-DNA position 1744, T replaced by G.
Protein change: p.Trp582Gly; replaces tryptophan 582 with glycine.
Molecular consequence: missense variant.
Genome position (GRCh38, 1-based): chr15:20,534,690, A>C on the plus strand (T>G on the coding strand, the complement: GOLGA6L6 is on the minus strand). VCF-style: chr15-20534690-A-C. GRCh37 (hg19) VCF-style: chr15-20739928-A-C.
Other names: short protein forms W582G.
Identifiers: ClinVar variation 3100873 (VCV003100873.2), dbSNP rs760073321, ClinGen allele CA391427821.